The following is an entry in ClinVar:

NM_002968.3(SALL1):c.1147_1148insA (p.Leu383fs)

Gene: SALL1 (spalt like transcription factor 1; minus strand). Cytogenetic location: 16q12.1.
Variant type: Insertion.
Coding change: c.1147_1148insA on transcript NM_002968.3 (MANE Select); coding-DNA positions 1147 to 1148, A inserted.
Protein change: p.Leu383fs; shifts the reading frame from leucine 383.
Molecular consequence: frameshift variant.
Genome position: GRCh38 VCF-style: chr16-51141074-A-AT. GRCh37 (hg19) VCF-style: chr16-51174985-A-AT.
Other names: c.856_857insA, p.Leu286fs (NM_001127892.2); short protein forms L286fs, L383fs.
Identifiers: ClinVar variation 3765525 (VCV003765525.1).

ClinVar aggregate classification (germline): Pathogenic (1 of 4 stars; one submission).

Conditions:
Townes-Brocks syndrome 1 (TBS1). Also called: SALL1-Related Townes-Brocks Syndrome; DEAFNESS, SENSORINEURAL, WITH IMPERFORATE ANUS AND THUMB ANOMALIES; REAR SYNDROME; RENAL-EAR-ANAL-RADIAL SYNDROME. Identifiers: Orphanet 857, MedGen C4551481, MONDO:0054581, OMIM 107480.

Submission:

Centre de Biologie Pathologie Génétique, Centre Hospitalier Universitaire de Lille
Classification: Pathogenic for Townes-Brocks syndrome 1. Last evaluated: 2025-02-27. Review status: criteria provided, single submitter. Criteria: ACMG Guidelines, 2015. Collection method: clinical testing. Allele origin: inherited. Inheritance: Autosomal dominant inheritance. Affected: yes.
Comment: PVS1 + PM2 + PP4 + PP1